The following is an entry in ClinVar:

NM_003239.5(TGFB3):c.1154C>T (p.Pro385Leu)

Gene: TGFB3 (transforming growth factor beta 3; minus strand). Cytogenetic location: 14q24.3.
Variant type: single nucleotide variant.
Coding change: c.1154C>T on transcript NM_003239.5 (MANE Select); coding-DNA position 1154, C replaced by T.
Protein change: p.Pro385Leu; replaces proline 385 with leucine.
Molecular consequence: missense variant.
Genome position (GRCh38, 1-based): chr14:75,959,272, G>A on the plus strand (C>T on the coding strand, the complement: TGFB3 is on the minus strand). VCF-style: chr14-75959272-G-A. GRCh37 (hg19) VCF-style: chr14-76425615-G-A.
Other names: c.1154C>T, p.Pro385Leu (NM_001329939.2); short protein forms P385L.
Identifiers: ClinVar variation 2878430 (VCV002878430.3), dbSNP rs2504093659, ClinGen allele CA390467020.
Genomic context (GRCh38, chr14:75,959,272, plus strand): 5'-ACCATGTTGGAGAGCTGCTCCACTTTGGGGGTCCTCCCAACATAGTACAGGATGGTCAGG[G>A]GCTCCAGGTCCTGGGGCACGCAGCAAGGCGAGGCAGATGCTTCAGGGTTCAGAGTGTTGT-3'
Protein context (NP_003230.1, residues 375-395): SPCCVPQDLE[Pro385Leu]LTILYYVGRT

ClinVar aggregate classification (germline): Uncertain significance (1 of 4 stars; one submission).

Conditions:
Rienhoff syndrome. Also called: LOEYS-DIETZ SYNDROME 5. Identifiers: MedGen C3810012, MONDO:0014262, OMIM 615582.

Submission:

Labcorp Genetics (formerly Invitae), Labcorp
Classification: Uncertain significance for Rienhoff syndrome. Last evaluated: 2023-10-04. Review status: criteria provided, single submitter. Criteria: Invitae Variant Classification Sherloc (09022015). Collection method: clinical testing. Allele origin: germline.
Comment: This sequence change replaces proline, which is neutral and non-polar, with leucine, which is neutral and non-polar, at codon 385 of the TGFB3 protein (p.Pro385Leu). This variant is not present in population databases (gnomAD no frequency). This variant has not been reported in the literature in individuals affected with TGFB3-related conditions. Advanced modeling of protein sequence and biophysical properties (such as structural, functional, and spatial information, amino acid conservation, physicochemical variation, residue mobility, and thermodynamic stability) performed at Invitae indicates that this missense variant is expected to disrupt TGFB3 protein function. In summary, the available evidence is currently insufficient to determine the role of this variant in disease. Therefore, it has been classified as a Variant of Uncertain Significance.